The following is an entry in ClinVar:

ClinVar aggregate classification (germline): Uncertain significance (1 of 4 stars; one submission).

gnomAD v4.1: 9 of 1,610,112 alleles (0.00056%); highest among the groups gnomAD compares: Non-Finnish European, 0.00076%; no homozygotes.

Submission:

Dasa
Classification: Uncertain significance. Last evaluated: 2026-06-07. Review status: criteria provided, single submitter. Criteria: DASA Assertion Criteria. Collection method: clinical testing. Allele origin: germline.
Comment: NM_001267550.2(TTN):c.51440C>A (p.Pro17147His) is a missense variant that results in the substitution of proline with histidine. This variant is rare in population databases. The currently available literature and clinical evidence are not sufficient to establish a definitive association between this variant and the reported condition. Therefore, this variant is classified as a variant of uncertain significance.

NM_001267550.2(TTN):c.51440C>A (p.Pro17147His)

Genes: TTN (titin; minus strand), TTN-AS1 (TTN antisense RNA 1; plus strand). Cytogenetic location: 2q31.2.
Variant type: single nucleotide variant.
Coding change: c.51440C>A on transcript NM_001267550.2 (MANE Select); coding-DNA position 51440, C replaced by A.
Protein change: p.Pro17147His; replaces proline 17147 with histidine.
Molecular consequence: missense variant.
Genome position (GRCh38, 1-based): chr2:178,609,983, G>T on the plus strand (C>A on the coding strand, the complement: TTN is on the minus strand). VCF-style: chr2-178609983-G-T. GRCh37 (hg19) VCF-style: chr2-179474710-G-T.
Other names: c.46517C>A, p.Pro15506His (NM_001256850.1); c.24245C>A, p.Pro8082His (NM_003319.4); c.43736C>A, p.Pro14579His (NM_133378.4); c.24620C>A, p.Pro8207His (NM_133432.3); c.24821C>A, p.Pro8274His (NM_133437.4); short protein forms P14579H, P15506H, P17147H, P8082H, P8207H, P8274H.
Identifiers: ClinVar variation 5020418 (VCV005020418.1).
Genomic context (GRCh38, chr2:178,609,983, plus strand): 5'-GTAATAGTCATTGCCTCCGCTGTAGGATTATGAACCTCTACATCTACAGGTGGATCAGGG[G>T]GTTCTGAAGAACAAGAAAAAAATGTTAGTATCAGGAAAACCACCTTCTTAAAACAAAACT-3'
Protein context (NP_001254479.2, residues 17137-17157): NPVIAQDPKQ[Pro17147His]PDPPVDVEVH